The following is an entry in ClinVar:

ClinVar aggregate classification (germline): Uncertain significance. Review status: criteria provided, multiple submitters, no conflicts (2 of 4 stars). 3 submissions from 3 submitters: Uncertain significance (2). 1 of the submissions does not count toward it. Last evaluated 2026-03-16.

Conditions:
TSHZ1-related disorder. Also called: TSHZ1-related condition.

Allele frequency attached by ClinVar (database versions not stated): gnomAD 0.00010; gnomAD exomes 0.00017 and 0.00027; ExAC 0.00028.
gnomAD v4.1: 276 of 1,614,148 alleles (0.017%); highest among the groups gnomAD compares: Middle Eastern, 0.64%; 1 homozygote.

Submissions (3):

Women's Health and Genetics/Laboratory Corporation of America, LabCorp
Classification: Uncertain significance. Last evaluated: 2026-03-16. Review status: criteria provided, single submitter. Criteria: LabCorp Variant Classification Summary - May 2015. Collection method: clinical testing. Allele origin: germline.
Comment: Variant summary: TSHZ1 c.1771G>A (p.Val591Met) results in a conservative amino acid change in the encoded protein sequence. Algorithms developed to predict the effect of missense changes on protein structure and function are either unavailable or do not agree on the potential impact of this missense change. The variant allele was found at a frequency of 0.00027 in 250512 control chromosomes. This frequency is not significantly higher than estimated for disease-causing variants in TSHZ1, allowing no conclusion about variant significance. To our knowledge, no occurrence of c.1771G>A in individuals affected with TSHZ1-related conditions and no experimental evidence demonstrating its impact on protein function have been reported. ClinVar contains an entry for this variant (Variation ID: 2354964). Based on the evidence outlined above, the variant was classified as VUS-possibly benign.

Ambry Genetics
Classification: Uncertain significance. Last evaluated: 2021-06-11. Review status: criteria provided, single submitter. Criteria: Ambry Variant Classification Scheme 2023. Collection method: clinical testing. Allele origin: germline.

PreventionGenetics, part of Exact Sciences
Classification: Likely benign for TSHZ1-related condition. Last evaluated: 2023-04-04. Review status: no assertion criteria provided. Collection method: clinical testing. Allele origin: germline. Not counted in ClinVar's aggregate classification.
Comment: This variant is classified as likely benign based on ACMG/AMP sequence variant interpretation guidelines (Richards et al. 2015 PMID: 25741868, with internal and published modifications).

NM_001308210.2(TSHZ1):c.1906G>A (p.Val636Met)

Gene: TSHZ1 (teashirt zinc finger homeobox 1; plus strand). Cytogenetic location: 18q22.3.
Variant type: single nucleotide variant.
Coding change: c.1906G>A on transcript NM_001308210.2 (MANE Select); coding-DNA position 1906, G replaced by A.
Protein change: p.Val636Met; replaces valine 636 with methionine.
Molecular consequence: missense variant.
Genome position (GRCh38, 1-based): chr18:75,287,313, G>A. VCF-style: chr18-75287313-G-A. GRCh37 (hg19) VCF-style: chr18-72999268-G-A.
Other names: c.1771G>A (NM_005786.4); c.1771G>A, p.Val591Met (NM_005786.6); short protein forms V591M, V636M.
Identifiers: ClinVar variation 2354964 (VCV002354964.5), dbSNP rs200947838, ClinGen allele CA9002163.